The following is an entry in ClinVar:

ClinVar aggregate classification (germline): Uncertain significance. Review status: criteria provided, multiple submitters, no conflicts (2 of 4 stars). 2 submissions from 2 submitters: Uncertain significance (2). Last evaluated 2019-11-16.

Conditions:
Hyperammonemic encephalopathy due to carbonic anhydrase VA deficiency. Also called: Carbonic Anhydrase VA Deficiency; Carbonic anhydrase VA deficiency, hyperammonemia due to. Identifiers: Orphanet 401948, MedGen C4706871, MONDO:0014332, OMIM 615751.

Allele frequency attached by ClinVar (database versions not stated): gnomAD exomes below 0.00001; ExAC 0.00001; gnomAD 0.00001; TOPMed 0.00002.
gnomAD v4.1: 1 of 1,559,718 alleles (0.000064%); highest among the groups gnomAD compares: African/African-American, 0.0014%; no homozygotes.

Submissions (2):

Labcorp Genetics (formerly Invitae), Labcorp
Classification: Uncertain significance for Hyperammonemic encephalopathy due to carbonic anhydrase VA deficiency. Last evaluated: 2019-11-16. Review status: criteria provided, single submitter. Criteria: Invitae Variant Classification Sherloc (09022015). Collection method: clinical testing. Allele origin: germline.
Comment: Algorithms developed to predict the effect of missense changes on protein structure and function (SIFT, PolyPhen-2, Align-GVGD) all suggest that this variant is likely to be disruptive, but these predictions have not been confirmed by published functional studies and their clinical significance is uncertain. In summary, the available evidence is currently insufficient to determine the role of this variant in disease. Therefore, it has been classified as a Variant of Uncertain Significance. This variant has not been reported in the literature in individuals with CA5A-related conditions. The frequency data for this variant in the population databases is considered unreliable, as metrics indicate poor data quality at this position in the ExAC database. This sequence change replaces histidine with proline at codon 158 of the CA5A protein (p.His158Pro). The histidine residue is highly conserved and there is a moderate physicochemical difference between histidine and proline.

GeneDx
Classification: Uncertain significance. Last evaluated: 2019-04-16. Review status: criteria provided, single submitter. Criteria: GeneDx Variant Classification Process June 2021. Collection method: clinical testing. Allele origin: germline. Affected: yes.
Comment: Not observed in large population cohorts (Lek et al., 2016); In silico analysis, which includes protein predictors and evolutionary conservation, supports a deleterious effect; Has not been previously published as pathogenic or benign to our knowledge

NM_001739.2(CA5A):c.473A>C (p.His158Pro)

Gene: CA5A (carbonic anhydrase 5A; minus strand). Cytogenetic location: 16q24.2.
Variant type: single nucleotide variant.
Coding change: c.473A>C on transcript NM_001739.2 (MANE Select); coding-DNA position 473, A replaced by C.
Protein change: p.His158Pro; replaces histidine 158 with proline.
Molecular consequence: missense variant. On other transcripts: non-coding transcript variant (2).
Genome position (GRCh38, 1-based): chr16:87,902,507, T>G on the plus strand (A>C on the coding strand, the complement: CA5A is on the minus strand). VCF-style: chr16-87902507-T-G. GRCh37 (hg19) VCF-style: chr16-87936113-T-G.
Other names: c.473A>C, p.His158Pro (NM_001367225.1); short protein forms H158P.
Identifiers: ClinVar variation 946825 (VCV000946825.10), dbSNP rs754607374, ClinGen allele CA8223455.